The following is an entry in ClinVar:

ClinVar aggregate classification (germline): Uncertain significance (1 of 4 stars; one submission).

Conditions:
Short-rib thoracic dysplasia 10 with or without polydactyly (SRTD10). Identifiers: Orphanet 474, MedGen C3810175, MONDO:0014284, OMIM 615630.
Retinitis pigmentosa 71 (RP71). Identifiers: Orphanet 791, MedGen C4225342, MONDO:0014618, OMIM 616394.

Allele frequency attached by ClinVar (database versions not stated): gnomAD exomes below 0.00001; ESP Exome Variant Server 0.00008.

Submission:

Labcorp Genetics (formerly Invitae), Labcorp
Classification: Uncertain significance for Retinitis pigmentosa 71; Short-rib thoracic dysplasia 10 with or without polydactyly. Last evaluated: 2022-07-19. Review status: criteria provided, single submitter. Criteria: Invitae Variant Classification Sherloc (09022015). Collection method: clinical testing. Allele origin: germline.
Comment: In summary, the available evidence is currently insufficient to determine the role of this variant in disease. Therefore, it has been classified as a Variant of Uncertain Significance. Algorithms developed to predict the effect of missense changes on protein structure and function (SIFT, PolyPhen-2, Align-GVGD) all suggest that this variant is likely to be tolerated. ClinVar contains an entry for this variant (Variation ID: 1469835). This variant has not been reported in the literature in individuals affected with IFT172-related conditions. This variant is not present in population databases (gnomAD no frequency). This sequence change replaces asparagine, which is neutral and polar, with aspartic acid, which is acidic and polar, at codon 425 of the IFT172 protein (p.Asn425Asp).

NM_015662.3(IFT172):c.1273A>G (p.Asn425Asp)

Gene: IFT172 (intraflagellar transport 172; minus strand). Cytogenetic location: 2p23.3.
Variant type: single nucleotide variant.
Coding change: c.1273A>G on transcript NM_015662.3 (MANE Select); coding-DNA position 1273, A replaced by G.
Protein change: p.Asn425Asp; replaces asparagine 425 with aspartic acid.
Molecular consequence: missense variant.
Genome position (GRCh38, 1-based): chr2:27,477,269, T>C on the plus strand (A>G on the coding strand, the complement: IFT172 is on the minus strand). VCF-style: chr2-27477269-T-C. GRCh37 (hg19) VCF-style: chr2-27700136-T-C.
Other names: short protein forms N425D.
Identifiers: ClinVar variation 1469835 (VCV001469835.6), dbSNP rs145145347, ClinGen allele CA44513432.
Genomic context (GRCh38, chr2:27,477,269, plus strand): 5'-GAGGTTACCTGATGAGGTGGGGGTTCATGAATTCAGTGCGTACAGAACCCAGGGTGTCAT[T>C]ATTCCCATATTCCACCAGGGTTAGCTCTCCGGCATTGAAGATCATGCATACCTGGGAAAA-3'
Protein context (NP_056477.1, residues 415-435): GELTLVEYGN[Asn425Asp]DTLGSVRTEF